The following is an entry in ClinVar:

ClinVar aggregate classification (germline): Likely benign (1 of 4 stars; one submission).

Conditions:
Gastrointestinal stromal tumor. Also called: Gastrointestinal stromal tumor, somatic; Gastrointestinal stroma tumor. Identifiers: Orphanet 44890, MedGen C0238198, MeSH D046152, MONDO:0011719, OMIM 606764, HP:0100723.

Submission:

Myriad Genetics, Inc.
Classification: Likely benign for Gastrointestinal stromal tumor. Last evaluated: 2026-06-01. Review status: criteria provided, single submitter. Criteria: Myriad Autosomal Dominant, Autosomal Recessive and X-Linked Classification Criteria (2023). Collection method: clinical testing. Allele origin: unknown.
Comment: This variant is considered likely benign. This variant is intronic and is not expected to impact mRNA splicing.

NM_000222.3(KIT):c.2596+7T>G

Gene: KIT (KIT proto-oncogene, receptor tyrosine kinase; plus strand). Cytogenetic location: 4q12.
Variant type: single nucleotide variant.
Coding change: c.2596+7T>G on transcript NM_000222.3 (MANE Select); 7 bases into the intron after coding-DNA position 2596, T replaced by G.
Molecular consequence: intron variant.
Genome position (GRCh38, 1-based): chr4:54,736,616, T>G. VCF-style: chr4-54736616-T-G. GRCh37 (hg19) VCF-style: chr4-55602782-T-G.
Other names: c.2599+7T>G (NM_001385284.1); c.2596+7T>G (NM_001385290.1); c.2587+7T>G (NM_001385288.1); c.2584+7T>G (NM_001385292.1, NM_001093772.2); c.2593+7T>G (NM_001385285.1); c.2581+7T>G (NM_001385286.1).
Identifiers: ClinVar variation 4875940 (VCV004875940.1).
Genomic context (GRCh38, chr4:54,736,616, plus strand): 5'-TTGAAAGTGACGTCTGGTCCTATGGGATTTTTCTTTGGGAGCTGTTCTCTTTAGGTAAAA[T>G]GATCCTTGCCAAAGACAACTTCATTAGACTCAGAGCATCTTCTTGAAGTTTCATTGGTGT-3'